The following is an entry in ClinVar:

NM_000165.5(GJA1):c.837G>A (p.Ser279=)

Gene: GJA1 (gap junction protein alpha 1; plus strand). Cytogenetic location: 6q22.31.
Variant type: single nucleotide variant.
Coding change: c.837G>A on transcript NM_000165.5 (MANE Select); coding-DNA position 837, G replaced by A.
Protein change: p.Ser279=; no amino-acid change (serine 279 retained).
Molecular consequence: synonymous variant.
Genome position (GRCh38, 1-based): chr6:121,447,684, G>A. VCF-style: chr6-121447684-G-A. GRCh37 (hg19) VCF-style: chr6-121768830-G-A.
Identifiers: ClinVar variation 355161 (VCV000355161.19), dbSNP rs67407537, ClinGen allele CA3981766.
Genomic context (GRCh38, chr6:121,447,684, plus strand): 5'-CTGTGGGTCTCAAAAATATGCTTATTTCAATGGCTGCTCCTCACCAACCGCTCCCCTCTC[G>A]CCTATGTCTCCTCCTGGGTACAAGCTGGTTACTGGCGACAGAAACAATTCTTCTTGCCGC-3'
Protein context (NP_000156.1, residues 269-289): NGCSSPTAPL[Ser279=]PMSPPGYKLV

ClinVar aggregate classification (germline): Benign/Likely benign. Review status: criteria provided, multiple submitters, no conflicts (2 of 4 stars). 7 submissions from 5 submitters: Benign (1); Likely benign (6). Last evaluated 2025-12-06.

Conditions:
Syndactyly type 3 (SDTY3). Also called: RING AND LITTLE FINGER SYNDACTYLY; SYNDACTYLY OF FINGERS IV AND V. Identifiers: Orphanet 93404, MedGen C1861366, MONDO:0008514, OMIM 186100.
Hypoplastic left heart syndrome 1 (HLHS1). Identifiers: Orphanet 2248, MedGen C4551854, MONDO:0009433, OMIM 241550.
Oculodentodigital dysplasia, autosomal recessive. Also called: OCULODENTOOSSEOUS DYSPLASIA, AUTOSOMAL RECESSIVE; ODDD, AUTOSOMAL RECESSIVE; ODOD, AUTOSOMAL RECESSIVE. Identifiers: Orphanet 2710, MedGen C2749477, MONDO:0009768, OMIM 257850.
Oculodentodigital dysplasia (ODDD). Also called: ODD SYNDROME; Oculodentodigital syndrome. Identifiers: Orphanet 2710, MedGen C0812437, MONDO:0008111, OMIM 164200.

Allele frequency attached by ClinVar (database versions not stated): gnomAD exomes 0.00010 and 0.00025; ExAC 0.00032; ESP Exome Variant Server 0.00062; 1000 Genomes Project 30x 0.00078; gnomAD 0.00079 and 0.00086; 1000 Genomes Project 0.00080; TOPMed 0.00107.

Submissions (7):

Labcorp Genetics (formerly Invitae), Labcorp
Classification: Benign for Oculodentodigital dysplasia, autosomal recessive. Last evaluated: 2025-12-06. Review status: criteria provided, single submitter. Criteria: Invitae Variant Classification Sherloc (09022015). Collection method: clinical testing. Allele origin: germline.

Blueprint Genetics
Classification: Likely benign. Last evaluated: 2024-10-30. Review status: criteria provided, single submitter. Criteria: ACMG Guidelines, 2015. Collection method: clinical testing. Allele origin: germline.

GeneDx
Classification: Likely benign. Last evaluated: 2020-10-06. Review status: criteria provided, single submitter. Criteria: GeneDx Variant Classification Process June 2021. Collection method: clinical testing. Allele origin: germline. Affected: yes.

Illumina Laboratory Services, Illumina
Classification: Likely benign for Syndactyly type 3. Last evaluated: 2017-04-27. Review status: criteria provided, single submitter. Criteria: ICSL Variant Classification Criteria 13 December 2019. Collection method: clinical testing. Allele origin: germline.
Comment: This variant was observed as part of a predisposition screen in an ostensibly healthy population. A literature search was performed for the gene, cDNA change, and amino acid change (where applicable). No publications were found based on this search. Allele frequency data from public databases allowed determination this variant is unlikely to cause disease. Therefore, this variant is classified as likely benign.

Illumina Laboratory Services, Illumina
Classification: Likely benign for Hypoplastic left heart syndrome 1. Last evaluated: 2017-04-27. Review status: criteria provided, single submitter. Criteria: ICSL Variant Classification Criteria 13 December 2019. Collection method: clinical testing. Allele origin: germline.
Comment: the same text as in the submission from Illumina Laboratory Services, Illumina above.

Illumina Laboratory Services, Illumina
Classification: Likely benign for Oculodentodigital dysplasia. Last evaluated: 2017-04-27. Review status: criteria provided, single submitter. Criteria: ICSL Variant Classification Criteria 13 December 2019. Collection method: clinical testing. Allele origin: germline.
Comment: the same text as in the submission from Illumina Laboratory Services, Illumina above.

Breakthrough Genomics
Classification: Likely benign. Review status: criteria provided, single submitter. Criteria: ACMG Guidelines, 2015. Collection method: not provided. Allele origin: germline. Inheritance: Autosomal recessive inheritance. Affected: yes.